The following is an entry in ClinVar:

ClinVar aggregate classification (germline): Likely pathogenic (1 of 4 stars; one submission).

Submission:

Labcorp Genetics (formerly Invitae), Labcorp
Classification: Likely pathogenic. Last evaluated: 2023-04-03. Review status: criteria provided, single submitter. Criteria: Invitae Variant Classification Sherloc (09022015). Collection method: clinical testing. Allele origin: germline.
Comment: In summary, the currently available evidence indicates that the variant is pathogenic, but additional data are needed to prove that conclusively. Therefore, this variant has been classified as Likely Pathogenic. This variant has not been reported in the literature in individuals affected with XPC-related conditions. This variant results in the deletion of part of exon 14 (c.2421-1_2440delinsC) of the XPC gene. It is expected to disrupt RNA splicing. Variants that disrupt the donor or acceptor splice site typically lead to a loss of protein function (PMID: 16199547), and loss-of-function variants in XPC are known to be pathogenic (PMID: 23173980, 25256075).

Literature cited by the submitters: PubMed 16199547; PubMed 23173980; PubMed 25256075.

NM_004628.5(XPC):c.2421-1_2440delinsC

Gene: XPC (XPC complex subunit, DNA damage recognition and repair factor; minus strand). Cytogenetic location: 3p25.1.
Variant type: Indel.
Coding change: c.2421-1_2440delinsC on transcript NM_004628.5 (MANE Select); the canonical splice acceptor site of the intron before coding-DNA position 2421 through coding-DNA position 2440, GGACTGATGGATACATCGTCT replaced by C.
Molecular consequence: splice acceptor variant.
Genome position (GRCh38, 1-based): chr3:14,147,982-14,148,002, AGACGATGTATCCATCAGTCC replaced by G on the plus strand (GGACTGATGGATACATCGTCT replaced by C on the coding strand, the reverse complement: XPC is on the minus strand). VCF-style: chr3-14147982-AGACGATGTATCCATCAGTCC-G. GRCh37 (hg19) VCF-style: chr3-14189482-AGACGATGTATCCATCAGTCC-G.
Other names: c.2403-1_2422delinsC (NM_001354729.2); c.1842-1_1861delinsC (NM_001354726.2); c.2175-1_2194delinsC (NM_001354730.2); c.2415-1_2434delinsC (NM_001354727.2).
Identifiers: ClinVar variation 2851901 (VCV002851901.3), dbSNP rs2470222791, ClinGen allele CA2739280088.